The following is an entry in ClinVar:

NM_002972.4(SBF1):c.2695G>A (p.Gly899Ser)

Gene: SBF1 (SET binding factor 1; minus strand). Cytogenetic location: 22q13.33.
Variant type: single nucleotide variant.
Coding change: c.2695G>A on transcript NM_002972.4 (MANE Select); coding-DNA position 2695, G replaced by A.
Protein change: p.Gly899Ser; replaces glycine 899 with serine.
Molecular consequence: missense variant.
Genome position (GRCh38, 1-based): chr22:50,461,667, C>T on the plus strand (G>A on the coding strand, the complement: SBF1 is on the minus strand). VCF-style: chr22-50461667-C-T. GRCh37 (hg19) VCF-style: chr22-50900096-C-T.
Other names: c.2698G>A, p.Gly900Ser (NM_001365819.1, NM_001410794.1); c.2695G>A, p.Gly899Ser (NM_001410795.1, NM_197971.1); short protein forms G899S, G900S.
Identifiers: ClinVar variation 2041078 (VCV002041078.4), dbSNP rs1300163820, ClinGen allele CA412208530.

ClinVar aggregate classification (germline): Uncertain significance (1 of 4 stars; one submission).

Allele frequency attached by ClinVar (database versions not stated): TOPMed below 0.00001; gnomAD exomes 0.00001.
gnomAD v4.1: 3 of 1,610,460 alleles (0.00019%); highest among the groups gnomAD compares: Admixed American, 0.0017%; no homozygotes.

Submission:

Labcorp Genetics (formerly Invitae), Labcorp
Classification: Uncertain significance. Last evaluated: 2022-08-08. Review status: criteria provided, single submitter. Criteria: Invitae Variant Classification Sherloc (09022015). Collection method: clinical testing. Allele origin: germline.
Comment: In summary, the available evidence is currently insufficient to determine the role of this variant in disease. Therefore, it has been classified as a Variant of Uncertain Significance. Algorithms developed to predict the effect of missense changes on protein structure and function are either unavailable or do not agree on the potential impact of this missense change (SIFT: "Tolerated"; PolyPhen-2: "Probably Damaging"; Align-GVGD: "Class C0"). This variant has not been reported in the literature in individuals affected with SBF1-related conditions. This variant is present in population databases (no rsID available, gnomAD 0.003%). This sequence change replaces glycine, which is neutral and non-polar, with serine, which is neutral and polar, at codon 899 of the SBF1 protein (p.Gly899Ser).